The following is an entry in ClinVar:

NM_001330691.3(CEP78):c.371A>G (p.Asn124Ser)

Gene: CEP78 (centrosomal protein 78; plus strand). Cytogenetic location: 9q21.2.
Variant type: single nucleotide variant.
Coding change: c.371A>G on transcript NM_001330691.3 (MANE Select); coding-DNA position 371, A replaced by G.
Protein change: p.Asn124Ser; replaces asparagine 124 with serine.
Molecular consequence: missense variant.
Genome position (GRCh38, 1-based): chr9:78,240,140, A>G. VCF-style: chr9-78240140-A-G. GRCh37 (hg19) VCF-style: chr9-80855056-A-G.
Other names: c.371A>G, p.Asn124Ser (NM_001098802.3, NM_001330693.3, NM_001330694.2 and 4 more transcripts); c.371A>G (NM_001098802.1); short protein forms N124S.
Identifiers: ClinVar variation 1366443 (VCV001366443.6), dbSNP rs199934742, ClinGen allele CA5094890.

ClinVar aggregate classification (germline): Uncertain significance. Review status: criteria provided, multiple submitters, no conflicts (2 of 4 stars). 3 submissions from 3 submitters: Uncertain significance (3). Last evaluated 2024-12-02.

Conditions:
Inborn genetic diseases. Identifiers: MedGen C0950123, MeSH D030342.

Allele frequency attached by ClinVar (database versions not stated): gnomAD exomes below 0.00001 and 0.00003; gnomAD 0.00002 and 0.00005; ExAC 0.00003; TOPMed 0.00004; ESP Exome Variant Server 0.00025.
gnomAD v4.1: 14 of 1,591,574 alleles (0.00088%); highest among the groups gnomAD compares: African/African-American, 0.015%; no homozygotes.

Submissions (3):

Labcorp Genetics (formerly Invitae), Labcorp
Classification: Uncertain significance. Last evaluated: 2024-12-02. Review status: criteria provided, single submitter. Criteria: Invitae Variant Classification Sherloc (09022015). Collection method: clinical testing. Allele origin: germline.
Comment: This sequence change replaces asparagine, which is neutral and polar, with serine, which is neutral and polar, at codon 124 of the CEP78 protein (p.Asn124Ser). This variant is present in population databases (rs199934742, gnomAD 0.03%). This variant has not been reported in the literature in individuals affected with CEP78-related conditions. ClinVar contains an entry for this variant (Variation ID: 1366443). Invitae Evidence Modeling of protein sequence and biophysical properties (such as structural, functional, and spatial information, amino acid conservation, physicochemical variation, residue mobility, and thermodynamic stability) indicates that this missense variant is not expected to disrupt CEP78 protein function with a negative predictive value of 80%. In summary, the available evidence is currently insufficient to determine the role of this variant in disease. Therefore, it has been classified as a Variant of Uncertain Significance.

Ambry Genetics
Classification: Uncertain significance for Inborn genetic diseases. Last evaluated: 2024-10-20. Review status: criteria provided, single submitter. Criteria: Ambry Variant Classification Scheme 2023. Collection method: clinical testing. Allele origin: germline.

Blueprint Genetics
Classification: Uncertain significance. Last evaluated: 2019-11-07. Review status: criteria provided, single submitter. Criteria: ACMG Guidelines, 2015. Collection method: clinical testing. Allele origin: germline.